The following is an entry in ClinVar:

NM_001267550.2(TTN):c.19996C>T (p.Pro6666Ser)

Genes: TTN (titin; minus strand), LOC126806429 (BRD4-independent group 4 enhancer GRCh37_chr2:179591393-179592592; plus strand). Cytogenetic location: 2q31.2.
Variant type: single nucleotide variant.
Coding change: c.19996C>T on transcript NM_001267550.2 (MANE Select); coding-DNA position 19996, C replaced by T.
Protein change: p.Pro6666Ser; replaces proline 6666 with serine.
Molecular consequence: missense variant. On other transcripts: intron variant (3).
Genome position (GRCh38, 1-based): chr2:178,727,369, G>A on the plus strand (C>T on the coding strand, the complement: TTN is on the minus strand). VCF-style: chr2-178727369-G-A. GRCh37 (hg19) VCF-style: chr2-179592096-G-A.
Other names: p.Pro5422Ser; c.19045C>T, p.Pro6349Ser (NM_001256850.1); c.16264C>T, p.Pro5422Ser (NM_133378.4); c.13282+10713C>T (NM_003319.4); c.13858+10713C>T (NM_133437.4); c.13657+10713C>T (NM_133432.3); c.19996C>T (NM_001267550.1); short protein forms P6666S, P5422S, P6349S.
Identifiers: ClinVar variation 198364 (VCV000198364.17), dbSNP rs571231816, ClinGen allele CA246977.
Genomic context (GRCh38, chr2:178,727,369, plus strand): 5'-GTGAAGAGTCACCTGCTTTCACAATTTTGGAGGCTTCTAATTTCTTTACAAACTTTGGTG[G>A]TTCTAAAGAGTCAGGAAAGAGGAGAGTATCAGGGAACAGAAATAAATAACAATAGTTAAA-3'
Protein context (NP_001254479.2, residues 6656-6676): SCTTMLLVTE[Pro6666Ser]PKFVKKLEAS

ClinVar aggregate classification (germline): Conflicting classifications of pathogenicity. Review status: criteria provided, conflicting classifications (1 of 4 stars). 10 submissions from 10 submitters: Uncertain significance (7); Likely benign (2). 1 of the submissions does not count toward it. Last evaluated 2025-07-28.

Conditions:
TTN-related disorder. Also called: TTN-related disorders; TTN-related condition; TTN-related disease.
Autosomal recessive limb-girdle muscular dystrophy type 2J (LGMDR10). Also called: Limb-girdle muscular dystrophy, type 2J; MUSCULAR DYSTROPHY, LIMB-GIRDLE, AUTOSOMAL RECESSIVE 10. Identifiers: Orphanet 140922, MedGen C1837342, MONDO:0012127, OMIM 608807.
Dilated cardiomyopathy 1G (CMD1G). Identifiers: Orphanet 154, MedGen C1858763, MONDO:0011400, OMIM 604145.
Myopathy, myofibrillar, 9, with early respiratory failure (MFM9). Also called: Hereditary myopathy with early respiratory failure; EDSTROM MYOPATHY; MYOPATHY, PROXIMAL, WITH EARLY RESPIRATORY MUSCLE INVOLVEMENT; Myopathy, distal, with early respiratory failure, autosomal dominant. Identifiers: Orphanet 178464, Orphanet 34521, MedGen C1863599, MONDO:0011362, OMIM 603689.
Hypertrophic cardiomyopathy 9. Also called: Familial hypertrophic cardiomyopathy 9. Identifiers: MedGen C1861065, MONDO:0013412, OMIM 613765.
Early-onset myopathy with fatal cardiomyopathy (CMYO5). Also called: Salih Myopathy; CONGENITAL MYOPATHY 5 WITH CARDIOMYOPATHY. Identifiers: Orphanet 289377, MedGen C2673677, MONDO:0012714, OMIM 611705. Disease mechanism: loss of function.
Tibial muscular dystrophy (TMD). Also called: Tibial muscular dystrophy, tardive; Udd Distal Myopathy – Tibial Muscular Dystrophy; UDD MYOPATHY. Identifiers: Orphanet 609, MedGen C1838244, MONDO:0010870, OMIM 600334.

Allele frequency attached by ClinVar (database versions not stated): TOPMed 0.00005; gnomAD 0.00010.
gnomAD v4.1: 34 of 1,582,148 alleles (0.0021%); highest among the groups gnomAD compares: African/African-American, 0.0041%; no homozygotes.

Submissions (10):

Women's Health and Genetics/Laboratory Corporation of America, LabCorp
Classification: Uncertain significance. Last evaluated: 2025-07-28. Review status: criteria provided, single submitter. Criteria: LabCorp Variant Classification Summary - May 2015. Collection method: clinical testing. Allele origin: germline.
Comment: Variant summary: TTN c.16264C>T (p.Pro5422Ser) results in a non-conservative amino acid change in the encoded protein sequence. Algorithms developed to predict the effect of missense changes on protein structure and function are either unavailable or do not agree on the potential impact of this missense change. The variant allele was found at a frequency of 4.5e-06 in 222124 control chromosomes. The available data on variant occurrences in the general population are insufficient to allow any conclusion about variant significance. To our knowledge, no occurrence of c.16264C>T in individuals affected with Autosomal Recessive Titinopathy and no experimental evidence demonstrating its impact on protein function have been reported. ClinVar contains an entry for this variant (Variation ID: 198364). Based on the evidence outlined above, the variant was classified as uncertain significance.

Revvity Omics, Revvity
Classification: Uncertain significance. Last evaluated: 2025-05-09. Review status: criteria provided, single submitter. Criteria: ACMG Guidelines, 2015. Collection method: clinical testing. Allele origin: germline.

Molecular Diagnostic Laboratory for Inherited Cardiovascular Disease, Montreal Heart Institute
Classification: Likely benign. Last evaluated: 2025-04-09. Review status: criteria provided, single submitter. Criteria: ACMG Guidelines, 2015. Collection method: clinical testing. Allele origin: germline. Affected: no.

Mayo Clinic Laboratories, Mayo Clinic
Classification: Uncertain significance. Last evaluated: 2025-04-01. Review status: criteria provided, single submitter. Criteria: ACMG Guidelines, 2015. Collection method: clinical testing. Allele origin: germline. Observed: 1 variant allele.

Blueprint Genetics
Classification: Likely benign. Last evaluated: 2024-09-25. Review status: criteria provided, single submitter. Criteria: ACMG Guidelines, 2015. Collection method: clinical testing. Allele origin: germline.

GeneDx
Classification: Uncertain significance. Last evaluated: 2023-03-09. Review status: criteria provided, single submitter. Criteria: GeneDx Variant Classification Process June 2021. Collection method: clinical testing. Allele origin: germline. Affected: yes.
Comment: Has not been previously published as pathogenic or benign to our knowledge; Missense variant in a gene in which most reported pathogenic variants are truncating/loss-of-function; Not observed at significant frequency in large population cohorts (gnomAD)

Fulgent Genetics
Classification: Uncertain significance for Tibial muscular dystrophy; Myopathy, myofibrillar, 9, with early respiratory failure; Dilated cardiomyopathy 1G; Autosomal recessive limb-girdle muscular dystrophy type 2J; Early-onset myopathy with fatal cardiomyopathy; Hypertrophic cardiomyopathy 9. Last evaluated: 2021-10-14. Review status: criteria provided, single submitter. Criteria: ACMG Guidelines, 2015. Collection method: clinical testing. Allele origin: unknown.

Labcorp Genetics (formerly Invitae), Labcorp
Classification: Uncertain significance for Dilated cardiomyopathy 1G; Autosomal recessive limb-girdle muscular dystrophy type 2J. Last evaluated: 2017-09-27. Review status: criteria provided, single submitter. Criteria: Invitae Variant Classification Sherloc (09022015). Collection method: clinical testing. Allele origin: germline.

Eurofins Ntd Llc (ga)
Classification: Uncertain significance. Last evaluated: 2014-11-14. Review status: criteria provided, single submitter. Criteria: EGL Classification Definitions 2015. Collection method: clinical testing. Allele origin: germline. Observed: 2 variant alleles, 2 heterozygotes.

PreventionGenetics, part of Exact Sciences
Classification: Uncertain significance for TTN-related condition. Last evaluated: 2024-08-05. Review status: no assertion criteria provided. Collection method: clinical testing. Allele origin: germline. Not counted in ClinVar's aggregate classification.
Comment: The TTN c.19996C>T variant is predicted to result in the amino acid substitution p.Pro6666Ser. To our knowledge, this variant has not been reported in the literature. This variant is reported in 0.0085% of alleles in individuals of African descent in gnomAD. At this time, the clinical significance of this variant is uncertain due to the absence of conclusive functional and genetic evidence.